The following is an entry in ClinVar:

NM_001303052.2(MYT1L):c.-521+4932G>C

Genes: MYT1L (myelin transcription factor 1 like; minus strand), MYT1L-AS1 (MYT1L antisense RNA 1; plus strand). Cytogenetic location: 2p25.3.
Variant type: single nucleotide variant.
Coding change: c.-521+4932G>C on transcript NM_001303052.2 (MANE Select); 4932 bases into the intron after 521 bases upstream of the start codon, G replaced by C.
Molecular consequence: intron variant. On other transcripts: non-coding transcript variant (1), splice donor variant (4).
Genome position (GRCh38, 1-based): chr2:2,326,035, C>G on the plus strand (G>C on the coding strand, the complement: MYT1L is on the minus strand). VCF-style: chr2-2326035-C-G. GRCh37 (hg19) VCF-style: chr2-2329807-C-G.
Other names: c.-521+4932G>C (NM_015025.4, NM_001329849.3, NM_001329851.3); c.-521+1G>C (NM_001329844.2, NM_001329847.2, NM_001329846.3 and 1 more transcripts).
Identifiers: ClinVar variation 1679626 (VCV001679626.1), dbSNP rs2149728599, ClinGen allele CA424629702.

ClinVar aggregate classification (germline): Uncertain significance (1 of 4 stars; one submission).

Conditions:
Intellectual developmental disorder, autosomal dominant 39. Also called: Mental retardation, autosomal dominant 39; Intellectual disability, autosomal dominant 39. Identifiers: MedGen C4225296, MONDO:0014678, OMIM 616521.

Submission:

New York Genome Center
Classification: Uncertain significance for Intellectual developmental disorder, autosomal dominant 39. Last evaluated: 2021-04-23. Review status: criteria provided, single submitter. Criteria: NYGC Assertion Criteria 2020. Collection method: clinical testing. Allele origin: germline. Observed: 1 heterozygote. Study: CSER-NYCKidSeq.
Comment: The heterozygous c.-521+4932G>C variant identified in the MYT1L gene substitutes a well conserved Guanine for Cytosine within intron 1/24 of biologically relevant MYT1L transcripts (NM_015025.4 and NM_001303052.2). The MYT1L transcript has several splicing isoforms, and this nucleotide position is also a splice donor (+1) for several non-canonical transcripts with unclear biological relevance (c.-521+1G>C; transcripts NM_001329844.2, NM_001329847.2, NM_001329852.2, NM_001329846.2). This variant is absent from gnomAD(v3.1.1) suggesting it is not a common benign variant in the populations represented in that database. SpliceAI predicts this variant to lead to a loss of the donor splice site (deltascore: 0.77) and the Transcript inferred Pathogenicity Score (TraP) is 0.84, which is >99.9% score percentile for non-coding variants, strongly suggesting it is probably damaging to the transcript. This variant is absent from ClinVar and to our current knowledge has not been reported in affected individuals in the literature. Given the lack of compelling evidence for its pathogenicity, the heterozygous c.-521+4932G>C variant identified in the MYT1L gene is reported as a Variant of Uncertain Significance.